The following is an entry in ClinVar:

NM_006129.5(BMP1):c.2450T>C (p.Val817Ala)

Gene: BMP1 (bone morphogenetic protein 1; plus strand). Cytogenetic location: 8p21.3.
Variant type: single nucleotide variant.
Coding change: c.2450T>C on transcript NM_006129.5 (MANE Select); coding-DNA position 2450, T replaced by C.
Protein change: p.Val817Ala; replaces valine 817 with alanine.
Molecular consequence: missense variant. On other transcripts: non-coding transcript variant (1).
Genome position (GRCh38, 1-based): chr8:22,207,391, T>C. VCF-style: chr8-22207391-T-C. GRCh37 (hg19) VCF-style: chr8-22064904-T-C.
Other names: short protein forms V817A.
Identifiers: ClinVar variation 362598 (VCV000362598.19), dbSNP rs80019749, ClinGen allele CA4665258.

ClinVar aggregate classification (germline): Benign. Review status: criteria provided, multiple submitters, no conflicts (2 of 4 stars). 7 submissions from 7 submitters: Benign (5). 2 of the submissions do not count toward it. Last evaluated 2026-02-04.

Conditions:
Osteogenesis imperfecta type 13. Also called: OI, TYPE XIII; Osteogenesis imperfecta, type xiii. Identifiers: Orphanet 666, MedGen C3553887, MONDO:0013924, OMIM 614856.
Osteogenesis imperfecta (OI). Identifiers: Orphanet 666, MedGen C0029434, MeSH D010013, MONDO:0019019.

Allele frequency attached by ClinVar (database versions not stated): gnomAD exomes 0.00770 and 0.01618; ESP Exome Variant Server 0.00953; gnomAD 0.01155 and 0.01418; TOPMed 0.01398; ExAC 0.01722; 1000 Genomes Project 30x 0.03951; 1000 Genomes Project 0.04213.
gnomAD v4.1: 13,600 of 1,614,066 alleles (0.84%); highest among the groups gnomAD compares: East Asian, 13%; 615 homozygotes.

Submissions (7):

Labcorp Genetics (formerly Invitae), Labcorp
Classification: Benign. Last evaluated: 2026-02-04. Review status: criteria provided, single submitter. Criteria: Invitae Variant Classification Sherloc (09022015). Collection method: clinical testing. Allele origin: germline.

Genome Diagnostics Laboratory, The Hospital for Sick Children
Classification: Benign for Osteogenesis imperfecta. Last evaluated: 2021-12-04. Review status: criteria provided, single submitter. Criteria: ACMG Guidelines, 2015. Collection method: clinical testing. Allele origin: germline.

GeneDx
Classification: Benign. Last evaluated: 2018-03-19. Review status: criteria provided, single submitter. Criteria: GeneDx Variant Classification (06012015). Collection method: clinical testing. Allele origin: germline. Affected: yes.
Comment: This variant is considered likely benign or benign based on one or more of the following criteria: it is a conservative change, it occurs at a poorly conserved position in the protein, it is predicted to be benign by multiple in silico algorithms, and/or has population frequency not consistent with disease.

Illumina Laboratory Services, Illumina
Classification: Benign for Osteogenesis imperfecta type 13. Last evaluated: 2018-01-13. Review status: criteria provided, single submitter. Criteria: ICSL Variant Classification Criteria 13 December 2019. Collection method: clinical testing. Allele origin: germline.
Comment: This variant was observed in the ICSL laboratory as part of a predisposition screen in an ostensibly healthy population. It had not been previously curated by ICSL or reported in the Human Gene Mutation Database (HGMD: prior to June 1st, 2018), and was therefore a candidate for classification through an automated scoring system. Utilizing variant allele frequency, disease prevalence and penetrance estimates, and inheritance mode, an automated score was calculated to assess if this variant is too frequent to cause the disease. Based on the score and internal cut-off values, a variant classified as benign is not then subjected to further curation. The score for this variant resulted in a classification of benign for this disease.

Breakthrough Genomics
Classification: Benign. Review status: criteria provided, single submitter. Criteria: ACMG Guidelines, 2015. Collection method: not provided. Allele origin: germline. Inheritance: Autosomal recessive inheritance. Affected: yes.

Genome Diagnostics Laboratory, Amsterdam University Medical Center
Classification: Benign. Review status: no assertion criteria provided. Collection method: clinical testing. Allele origin: germline. Affected: yes. Study: VKGL Data-share Consensus. Not counted in ClinVar's aggregate classification.

Laboratory of Diagnostic Genome Analysis, Leiden University Medical Center (LUMC)
Classification: Likely benign. Review status: no assertion criteria provided. Collection method: clinical testing. Allele origin: germline. Affected: yes. Study: VKGL Data-share Consensus. Not counted in ClinVar's aggregate classification.